The following is an entry in ClinVar:

NM_000051.4(ATM):c.2934T>G (p.Ser978=)

Gene: ATM (ATM serine/threonine kinase; plus strand). Cytogenetic location: 11q22.3.
Variant type: single nucleotide variant.
Coding change: c.2934T>G on transcript NM_000051.4 (MANE Select); coding-DNA position 2934, T replaced by G.
Protein change: p.Ser978=; no amino-acid change (serine 978 retained).
Molecular consequence: synonymous variant.
Genome position (GRCh38, 1-based): chr11:108,271,263, T>G. VCF-style: chr11-108271263-T-G. GRCh37 (hg19) VCF-style: chr11-108141990-T-G.
Other names: p.Ser978=; c.2934T>G, p.Ser978= (NM_001351834.2).
Identifiers: ClinVar variation 184551 (VCV000184551.32), dbSNP rs368678134, ClinGen allele CA189277.

ClinVar aggregate classification (germline): Benign/Likely benign. Review status: criteria provided, multiple submitters, no conflicts (2 of 4 stars). 12 submissions from 12 submitters: Benign (1); Likely benign (10). 1 of the submissions does not count toward it. Last evaluated 2025-12-26.

Conditions:
ATM-related disorder. Also called: ATM-related disorders; ATM-related condition.
Hereditary cancer-predisposing syndrome. Also called: Tumor predisposition; Neoplastic Syndromes, Hereditary; Hereditary Cancer Syndrome; Hereditary neoplastic syndrome. Identifiers: Orphanet 140162, MedGen C0027672, MeSH D009386, MONDO:0015356.
Familial cancer of breast. Also called: hereditary breast carcinoma; BREAST CANCER, FAMILIAL; Hereditary breast cancer. Identifiers: Orphanet 227535, MedGen C0346153, MONDO:0016419, OMIM 114480. Disease mechanism: loss of function.
Ataxia-telangiectasia syndrome (AT). Also called: LOUIS-BAR SYNDROME; Ataxia-telangiectasia, complementation group D; Ataxia telangiectasia (A-T); AT, COMPLEMENTATION GROUP C; ATAXIA-TELANGIECTASIA, COMPLEMENTATION GROUP A; ATAXIA-TELANGIECTASIA, FRESNO VARIANT. Identifiers: Orphanet 100, MedGen C0004135, MONDO:0008840, OMIM 208900.

Allele frequency attached by ClinVar (database versions not stated): gnomAD 0.00001; gnomAD exomes 0.00001 and 0.00002; TOPMed 0.00001; ExAC 0.00004; ESP Exome Variant Server 0.00008.
gnomAD v4.1: 13 of 1,613,994 alleles (0.00081%); highest among the groups gnomAD compares: Non-Finnish European, 0.0011%; no homozygotes.

Submissions (12):

Labcorp Genetics (formerly Invitae), Labcorp
Classification: Likely benign for Ataxia-telangiectasia syndrome. Last evaluated: 2025-12-26. Review status: criteria provided, single submitter. Criteria: Invitae Variant Classification Sherloc (09022015). Collection method: clinical testing. Allele origin: germline.

Mayo Clinic Laboratories, Mayo Clinic
Classification: Likely benign. Last evaluated: 2025-12-05. Review status: criteria provided, single submitter. Criteria: ACMG Guidelines, 2015. Collection method: clinical testing. Allele origin: germline. Observed: 1 variant allele.
Comment: BP4, BP7

CeGaT Center for Human Genetics Tuebingen
Classification: Likely benign. Last evaluated: 2025-04-01. Review status: criteria provided, single submitter. Criteria: CeGaT Center For Human Genetics Tuebingen Variant Classification Criteria Version 2. Collection method: clinical testing. Allele origin: germline. Affected: yes. Observed: 1 variant allele.
Comment: ATM: BP4, BP7

Myriad Genetics, Inc.
Classification: Benign for Familial cancer of breast. Last evaluated: 2024-05-10. Review status: criteria provided, single submitter. Criteria: Myriad Autosomal Dominant, Autosomal Recessive and X-Linked Classification Criteria (2023). Collection method: clinical testing. Allele origin: unknown.
Comment: This variant is considered benign. This variant is a silent/synonymous amino acid change and it is not expected to impact splicing.

Blueprint Genetics
Classification: Likely benign. Last evaluated: 2023-09-22. Review status: criteria provided, single submitter. Criteria: ACMG Guidelines, 2015. Collection method: clinical testing. Allele origin: germline.

Women's Health and Genetics/Laboratory Corporation of America, LabCorp
Classification: Likely benign. Last evaluated: 2023-03-16. Review status: criteria provided, single submitter. Criteria: LabCorp Variant Classification Summary - May 2015. Collection method: clinical testing. Allele origin: germline.

Sema4
Classification: Likely benign for Hereditary cancer-predisposing syndrome. Last evaluated: 2021-05-18. Review status: criteria provided, single submitter. Criteria: Sema4 Curation Guidelines. Collection method: curation. Allele origin: germline.

Athena Diagnostics
Classification: Likely benign. Last evaluated: 2020-01-02. Review status: criteria provided, single submitter. Criteria: Athena Diagnostics Criteria. Collection method: clinical testing. Allele origin: unknown.

Color Diagnostics, LLC DBA Color Health
Classification: Likely benign for Hereditary cancer-predisposing syndrome. Last evaluated: 2017-12-08. Review status: criteria provided, single submitter. Criteria: ACMG Guidelines, 2015. Collection method: clinical testing. Allele origin: germline.

GeneDx
Classification: Likely benign. Last evaluated: 2016-09-22. Review status: criteria provided, single submitter. Criteria: GeneDx Variant Classification (06012015). Collection method: clinical testing. Allele origin: germline. Affected: yes.
Comment: This variant is considered likely benign or benign based on one or more of the following criteria: it is a conservative change, it occurs at a poorly conserved position in the protein, it is predicted to be benign by multiple in silico algorithms, and/or has population frequency not consistent with disease.

Ambry Genetics
Classification: Likely benign for Hereditary cancer-predisposing syndrome. Last evaluated: 2015-03-19. Review status: criteria provided, single submitter. Criteria: Ambry Variant Classification Scheme 2023. Collection method: clinical testing. Allele origin: germline.

PreventionGenetics, part of Exact Sciences
Classification: Likely benign for ATM-related condition. Last evaluated: 2020-12-04. Review status: no assertion criteria provided. Collection method: clinical testing. Allele origin: germline. Not counted in ClinVar's aggregate classification.
Comment: This variant is classified as likely benign based on ACMG/AMP sequence variant interpretation guidelines (Richards et al. 2015 PMID: 25741868, with internal and published modifications).